The following is an entry in ClinVar:

NM_002471.4(MYH6):c.1875C>T (p.Tyr625=)

Gene: MYH6 (myosin heavy chain 6; minus strand). Cytogenetic location: 14q11.2.
Variant type: single nucleotide variant.
Coding change: c.1875C>T on transcript NM_002471.4 (MANE Select); coding-DNA position 1875, C replaced by T.
Protein change: p.Tyr625=; no amino-acid change (tyrosine 625 retained).
Molecular consequence: synonymous variant.
Genome position (GRCh38, 1-based): chr14:23,398,744, G>A on the plus strand (C>T on the coding strand, the complement: MYH6 is on the minus strand). VCF-style: chr14-23398744-G-A. GRCh37 (hg19) VCF-style: chr14-23867953-G-A.
Identifiers: ClinVar variation 44459 (VCV000044459.60), dbSNP rs146591697, ClinGen allele CA134263.

ClinVar aggregate classification (germline): Likely benign. Review status: criteria provided, multiple submitters, no conflicts (2 of 4 stars). 10 submissions from 10 submitters: Likely benign (8). 2 of the submissions do not count toward it. Last evaluated 2026-05-01.

Conditions:
MYH6-related disorder. Also called: MYH6-Related Disorders; MYH6-related condition.
Cardiovascular phenotype. Identifiers: MedGen CN230736.
Hypertrophic cardiomyopathy 14. Identifiers: MedGen C2750467, MONDO:0013197, OMIM 613251.

Allele frequency attached by ClinVar (database versions not stated): gnomAD 0.00015 and 0.00019; TOPMed 0.00020; ESP Exome Variant Server 0.00031.
gnomAD v4.1: 180 of 1,614,080 alleles (0.011%); highest among the groups gnomAD compares: Middle Eastern, 0.15%; no homozygotes.

Submissions (10):

CeGaT Center for Human Genetics Tuebingen
Classification: Likely benign. Last evaluated: 2026-05-01. Review status: criteria provided, single submitter. Criteria: CeGaT Center For Human Genetics Tuebingen Variant Classification Criteria Version 2. Collection method: clinical testing. Allele origin: germline. Affected: yes. Observed: 3 variant alleles.
Comment: MYH6: BP4, BP7

Labcorp Genetics (formerly Invitae), Labcorp
Classification: Likely benign for Hypertrophic cardiomyopathy 14. Last evaluated: 2025-11-26. Review status: criteria provided, single submitter. Criteria: Invitae Variant Classification Sherloc (09022015). Collection method: clinical testing. Allele origin: germline.

PreventionGenetics, part of Exact Sciences
Classification: Likely benign for MYH6-related condition. Last evaluated: 2025-04-15. Review status: criteria provided, single submitter. Criteria: ACMG Guidelines, 2015. Collection method: clinical testing. Allele origin: germline.
Comment: This variant is classified as likely benign based on ACMG/AMP sequence variant interpretation guidelines (Richards et al. 2015 PMID: 25741868, with internal and published modifications).

Blueprint Genetics
Classification: Likely benign. Last evaluated: 2024-07-17. Review status: criteria provided, single submitter. Criteria: ACMG Guidelines, 2015. Collection method: clinical testing. Allele origin: germline.

GeneDx
Classification: Likely benign. Last evaluated: 2021-02-25. Review status: criteria provided, single submitter. Criteria: GeneDx Variant Classification Process June 2021. Collection method: clinical testing. Allele origin: germline. Affected: yes.

Ambry Genetics
Classification: Likely benign for Cardiovascular phenotype. Last evaluated: 2017-09-01. Review status: criteria provided, single submitter. Criteria: Ambry Variant Classification Scheme 2023. Collection method: clinical testing. Allele origin: germline.

Laboratory for Molecular Medicine, Mass General Brigham Personalized Medicine
Classification: Likely benign. Last evaluated: 2012-10-31. Review status: criteria provided, single submitter. Criteria: LMM Criteria. Collection method: clinical testing. Allele origin: germline. Observed: 1 variant allele.
Comment: Tyr625Tyr in exon 15 of MYH6: This variant is not expected to have clinical sign ificance because it does not alter an amino acid residue, and is not located wit hin the splice consensus sequence. It has been identified in 3/8600 European Ame rican chromosomes from a broad population by the NHLBI Exome Sequencing Project (dbSNP rs146591697). Tyr625Tyr in exon 15 of MYH6 (rs146591697; allele frequency = 3/8600) **

Breakthrough Genomics
Classification: Likely benign. Review status: criteria provided, single submitter. Criteria: ACMG Guidelines, 2015. Collection method: not provided. Allele origin: germline. Inheritance: Autosomal dominant inheritance. Affected: yes.

Clinical Genetics DNA and cytogenetics Diagnostics Lab, Erasmus MC, Erasmus Medical Center
Classification: Likely benign. Review status: no assertion criteria provided. Collection method: clinical testing. Allele origin: germline. Affected: yes. Study: VKGL Data-share Consensus. Not counted in ClinVar's aggregate classification.

Joint Genome Diagnostic Labs from Nijmegen and Maastricht, Radboudumc and MUMC+
Classification: Likely benign. Review status: no assertion criteria provided. Collection method: clinical testing. Allele origin: germline. Affected: yes. Study: VKGL Data-share Consensus. Not counted in ClinVar's aggregate classification.